The following is an entry in ClinVar:

NM_004183.4(BEST1):c.1174C>T (p.Arg392Cys)

Gene: BEST1 (bestrophin 1; plus strand). Cytogenetic location: 11q12.3.
Variant type: single nucleotide variant.
Coding change: c.1174C>T on transcript NM_004183.4 (MANE Select); coding-DNA position 1174, C replaced by T.
Protein change: p.Arg392Cys; replaces arginine 392 with cysteine.
Molecular consequence: missense variant. On other transcripts: non-coding transcript variant (1).
Genome position (GRCh38, 1-based): chr11:61,962,328, C>T. VCF-style: chr11-61962328-C-T. GRCh37 (hg19) VCF-style: chr11-61729800-C-T.
Other names: c.994C>T, p.Arg332Cys (NM_001139443.3, NM_001300787.2); c.913C>T, p.Arg305Cys (NM_001300786.2); c.856C>T, p.Arg286Cys (NM_001363591.3); c.*69C>T (NM_001363592.2); c.202C>T, p.Arg68Cys (NM_001363593.3); short protein forms R68C, R286C, R332C, R392C, R305C.
Identifiers: ClinVar variation 866480 (VCV000866480.13), dbSNP rs762903676, ClinGen allele CA6041013.

ClinVar aggregate classification (germline): Uncertain significance. Review status: criteria provided, multiple submitters, no conflicts (2 of 4 stars). 3 submissions from 3 submitters: Uncertain significance (3). Last evaluated 2025-05-05.

Conditions:
Inborn genetic diseases. Identifiers: MedGen C0950123, MeSH D030342.

Allele frequency attached by ClinVar (database versions not stated): gnomAD exomes 0.00001 and 0.00002; ExAC 0.00002; TOPMed 0.00003.

Submissions (3):

Labcorp Genetics (formerly Invitae), Labcorp
Classification: Uncertain significance. Last evaluated: 2025-05-05. Review status: criteria provided, single submitter. Criteria: Invitae Variant Classification Sherloc (09022015). Collection method: clinical testing. Allele origin: germline.
Comment: This sequence change replaces arginine, which is basic and polar, with cysteine, which is neutral and slightly polar, at codon 392 of the BEST1 protein (p.Arg392Cys). This variant is present in population databases (rs762903676, gnomAD 0.01%). This variant has not been reported in the literature in individuals affected with BEST1-related conditions. ClinVar contains an entry for this variant (Variation ID: 866480). An algorithm developed to predict the effect of missense changes on protein structure and function outputs the following: PolyPhen-2: "Benign". The cysteine amino acid residue is found in multiple mammalian species, which suggests that this missense change does not adversely affect protein function. In summary, the available evidence is currently insufficient to determine the role of this variant in disease. Therefore, it has been classified as a Variant of Uncertain Significance.

Ambry Genetics
Classification: Uncertain significance for Inborn genetic diseases. Last evaluated: 2024-11-24. Review status: criteria provided, single submitter. Criteria: Ambry Variant Classification Scheme 2023. Collection method: clinical testing. Allele origin: germline.

Blueprint Genetics
Classification: Uncertain significance. Last evaluated: 2018-01-23. Review status: criteria provided, single submitter. Criteria: ACMG Guidelines, 2015. Collection method: clinical testing. Allele origin: germline.